The following is an entry in ClinVar:

NM_152701.5(ABCA13):c.11145G>A (p.Ser3715=)

Gene: ABCA13 (ATP binding cassette subfamily A member 13; plus strand). Cytogenetic location: 7p12.3.
Variant type: single nucleotide variant.
Coding change: c.11145G>A on transcript NM_152701.5 (MANE Select); coding-DNA position 11145, G replaced by A.
Protein change: p.Ser3715=; no amino-acid change (serine 3715 retained).
Molecular consequence: synonymous variant.
Genome position (GRCh38, 1-based): chr7:48,374,358, G>A. VCF-style: chr7-48374358-G-A. GRCh37 (hg19) VCF-style: chr7-48413955-G-A.
Identifiers: ClinVar variation 2657488 (VCV002657488.24), dbSNP rs375121850, ClinGen allele CA4258545.

ClinVar aggregate classification (germline): Likely benign (1 of 4 stars; one submission).

Allele frequency attached by ClinVar (database versions not stated): 1000 Genomes Project 30x 0.00016; ExAC 0.00017; 1000 Genomes Project 0.00020; gnomAD 0.00023; TOPMed 0.00032; ESP Exome Variant Server 0.00033.
gnomAD v4.1: 121 of 1,609,418 alleles (0.0075%); highest among the groups gnomAD compares: African/African-American, 0.076%; 1 homozygote.

Submission:

CeGaT Center for Human Genetics Tuebingen
Classification: Likely benign. Last evaluated: 2023-01-01. Review status: criteria provided, single submitter. Criteria: CeGaT Center For Human Genetics Tuebingen Variant Classification Criteria Version 2. Collection method: clinical testing. Allele origin: germline. Affected: yes. Observed: 1 variant allele.
Comment: ABCA13: BP4, BP7